The following is an entry in ClinVar:

ClinVar aggregate classification (germline): Uncertain significance (1 of 4 stars; one submission).

Submission:

Labcorp Genetics (formerly Invitae), Labcorp
Classification: Uncertain significance. Last evaluated: 2025-08-02. Review status: criteria provided, single submitter. Criteria: Invitae Variant Classification Sherloc (09022015). Collection method: clinical testing. Allele origin: germline.
Comment: This sequence change replaces glycine, which is neutral and non-polar, with arginine, which is basic and polar, at codon 26 of the ENPP1 protein (p.Gly26Arg). The frequency data for this variant in the population databases is considered unreliable, as metrics indicate insufficient coverage at this position in the gnomAD database. This variant has not been reported in the literature in individuals affected with ENPP1-related conditions. Experimental studies and prediction algorithms are not available or were not evaluated, and the functional significance of this variant is currently unknown. In summary, the available evidence is currently insufficient to determine the role of this variant in disease. Therefore, it has been classified as a Variant of Uncertain Significance.

NM_006208.3(ENPP1):c.76G>A (p.Gly26Arg)

Gene: ENPP1 (ectonucleotide pyrophosphatase/phosphodiesterase 1; plus strand). Cytogenetic location: 6q23.2.
Variant type: single nucleotide variant.
Coding change: c.76G>A on transcript NM_006208.3 (MANE Select); coding-DNA position 76, G replaced by A.
Protein change: p.Gly26Arg; replaces glycine 26 with arginine.
Molecular consequence: missense variant.
Genome position (GRCh38, 1-based): chr6:131,808,111, G>A. VCF-style: chr6-131808111-G-A. GRCh37 (hg19) VCF-style: chr6-132129251-G-A.
Other names: short protein forms G26R.
Identifiers: ClinVar variation 4797434 (VCV004797434.1).